The following is an entry in ClinVar:

NM_001277115.2(DNAH11):c.4012-1G>A

Gene: DNAH11 (dynein axonemal heavy chain 11; plus strand). Cytogenetic location: 7p15.3.
Variant type: single nucleotide variant.
Coding change: c.4012-1G>A on transcript NM_001277115.2 (MANE Select); the canonical splice acceptor site of the intron before coding-DNA position 4012, G replaced by A.
Molecular consequence: splice acceptor variant.
Genome position (GRCh38, 1-based): chr7:21,616,208, G>A. VCF-style: chr7-21616208-G-A. GRCh37 (hg19) VCF-style: chr7-21655826-G-A.
Identifiers: ClinVar variation 2701106 (VCV002701106.3), dbSNP rs2534693553, ClinGen allele CA366951366.

ClinVar aggregate classification (germline): Likely pathogenic (1 of 4 stars; one submission).

Conditions:
Primary ciliary dyskinesia. Also called: Ciliary dyskinesia. Identifiers: Orphanet 244, MedGen C0008780, MONDO:0016575, HP:0012265.

Submission:

Labcorp Genetics (formerly Invitae), Labcorp
Classification: Likely pathogenic for Primary ciliary dyskinesia. Last evaluated: 2023-12-05. Review status: criteria provided, single submitter. Criteria: Invitae Variant Classification Sherloc (09022015). Collection method: clinical testing. Allele origin: germline.
Comment: This sequence change affects an acceptor splice site in intron 21 of the DNAH11 gene. It is expected to disrupt RNA splicing. Variants that disrupt the donor or acceptor splice site typically lead to a loss of protein function (PMID: 16199547), and loss-of-function variants in DNAH11 are known to be pathogenic (PMID: 18022865, 20513915, 22184204). This variant is not present in population databases (gnomAD no frequency). Disruption of this splice site has been observed in individual(s) with clinical features of primary ciliary dyskinesia (PMID: 34556108). Algorithms developed to predict the effect of sequence changes on RNA splicing suggest that this variant may disrupt the consensus splice site. In summary, the currently available evidence indicates that the variant is pathogenic, but additional data are needed to prove that conclusively. Therefore, this variant has been classified as Likely Pathogenic.

Literature cited by the submitters: PubMed 16199547; PubMed 18022865; PubMed 20513915; PubMed 22184204; PubMed 34556108.